The following is an entry in ClinVar:

ClinVar aggregate classification (germline): Likely benign (1 of 4 stars; one submission).

Allele frequency attached by ClinVar (database versions not stated): TOPMed below 0.00001.

Submission:

ARUP Laboratories, Molecular Genetics and Genomics, ARUP Laboratories
Classification: Likely benign. Last evaluated: 2018-04-13. Review status: criteria provided, single submitter. Criteria: ARUP Molecular Germline Variant Investigation Process. Collection method: clinical testing. Allele origin: germline.
Comment: The c.1209G>A; p.Leu403Leu variant does not alter the amino acid sequence of the PLOD3 protein and computational splice site prediction algorithms do not predict a change in the nearest splice site or creation of a cryptic splice site. This variant has not been reported in association with aortopathies in medical literature or in gene specific variation databases. This variant is absent from the general population databases (1000 Genomes Project, Exome Variant Server, Genome Aggregation Database), indicating it is not a common polymorphism. Based on the available information, the c.1209G>A variant is likely to be benign.

NM_001084.5(PLOD3):c.1209G>A (p.Leu403=)

Gene: PLOD3 (procollagen-lysine,2-oxoglutarate 5-dioxygenase 3; minus strand). Cytogenetic location: 7q22.1.
Variant type: single nucleotide variant.
Coding change: c.1209G>A on transcript NM_001084.5 (MANE Select); coding-DNA position 1209, G replaced by A.
Protein change: p.Leu403=; no amino-acid change (leucine 403 retained).
Molecular consequence: synonymous variant.
Genome position (GRCh38, 1-based): chr7:101,211,869, C>T on the plus strand (G>A on the coding strand, the complement: PLOD3 is on the minus strand). VCF-style: chr7-101211869-C-T. GRCh37 (hg19) VCF-style: chr7-100855150-C-T.
Identifiers: ClinVar variation 618332 (VCV000618332.8), dbSNP rs752918458, ClinGen allele CA456789305.